The following is an entry in ClinVar:

ClinVar aggregate classification (germline): Uncertain significance (1 of 4 stars; one submission).

Submission:

Labcorp Genetics (formerly Invitae), Labcorp
Classification: Uncertain significance. Last evaluated: 2023-10-28. Review status: criteria provided, single submitter. Criteria: Invitae Variant Classification Sherloc (09022015). Collection method: clinical testing. Allele origin: germline.
Comment: This sequence change replaces serine, which is neutral and polar, with asparagine, which is neutral and polar, at codon 390 of the PACS2 protein (p.Ser390Asn). This variant is not present in population databases (gnomAD no frequency). This variant has not been reported in the literature in individuals affected with PACS2-related conditions. An algorithm developed to predict the effect of missense changes on protein structure and function (PolyPhen-2) suggests that this variant is likely to be tolerated. In summary, the available evidence is currently insufficient to determine the role of this variant in disease. Therefore, it has been classified as a Variant of Uncertain Significance.

NM_001100913.3(PACS2):c.1169G>A (p.Ser390Asn)

Gene: PACS2 (phosphofurin acidic cluster sorting protein 2; plus strand). Cytogenetic location: 14q32.33.
Variant type: single nucleotide variant.
Coding change: c.1169G>A on transcript NM_001100913.3 (MANE Select); coding-DNA position 1169, G replaced by A.
Protein change: p.Ser390Asn; replaces serine 390 with asparagine.
Molecular consequence: missense variant.
Genome position (GRCh38, 1-based): chr14:105,381,000, G>A. VCF-style: chr14-105381000-G-A. GRCh37 (hg19) VCF-style: chr14-105847337-G-A.
Other names: c.944G>A, p.Ser315Asn (NM_001243127.3); c.1169G>A, p.Ser390Asn (NM_015197.4); short protein forms S390N, S315N.
Identifiers: ClinVar variation 2978256 (VCV002978256.3), dbSNP rs2544798478, ClinGen allele CA391181236.